The following is an entry in ClinVar:

NM_001375524.1(TRRAP):c.3874C>T (p.Pro1292Ser)

Gene: TRRAP (transformation/transcription domain associated protein; plus strand). Cytogenetic location: 7q22.1.
Variant type: single nucleotide variant.
Coding change: c.3874C>T on transcript NM_001375524.1 (MANE Select); coding-DNA position 3874, C replaced by T.
Protein change: p.Pro1292Ser; replaces proline 1292 with serine.
Molecular consequence: missense variant.
Genome position (GRCh38, 1-based): chr7:98,933,262, C>T. VCF-style: chr7-98933262-C-T. GRCh37 (hg19) VCF-style: chr7-98530885-C-T.
Other names: c.3874C>T, p.Pro1292Ser (NM_001244580.2, NM_003496.4); c.3874C>T (NM_003496.3); short protein forms P1292S.
Identifiers: ClinVar variation 2527123 (VCV002527123.3), dbSNP rs2484789514, ClinGen allele CA368303180.

ClinVar aggregate classification (germline): Uncertain significance. Review status: criteria provided, multiple submitters, no conflicts (2 of 4 stars). 2 submissions from 2 submitters: Uncertain significance (2). Last evaluated 2024-01-31.

Conditions:
Inborn genetic diseases. Identifiers: MedGen C0950123, MeSH D030342.

Submissions (2):

GeneDx
Classification: Uncertain significance. Last evaluated: 2024-01-31. Review status: criteria provided, single submitter. Criteria: GeneDx Variant Classification Process June 2021. Collection method: clinical testing. Allele origin: germline. Affected: yes.
Comment: Not observed at significant frequency in large population cohorts (gnomAD); In silico analysis supports that this missense variant has a deleterious effect on protein structure/function; Has not been previously published as pathogenic or benign to our knowledge

Ambry Genetics
Classification: Uncertain significance for Inborn genetic diseases. Last evaluated: 2023-03-20. Review status: criteria provided, single submitter. Criteria: Ambry Variant Classification Scheme 2023. Collection method: clinical testing. Allele origin: germline.